The following is an entry in ClinVar:

ClinVar aggregate classification (germline): Pathogenic (1 of 4 stars; one submission).

Conditions:
UDPglucose-4-epimerase deficiency. Also called: UDP-GALACTOSE-4-EPIMERASE DEFICIENCY; Galactose epimerase deficiency; GALACTOSEMIA III; GALE DEFICIENCY; UDPglucose 4-Epimerase Deficiency Disease; Epimerase Deficiency Galactosemia. Identifiers: Orphanet 352, Orphanet 79238, MedGen C0751161, MONDO:0009257, OMIM 230350.

Allele frequency attached by ClinVar (database versions not stated): TOPMed below 0.00001; gnomAD exomes 0.00001; ExAC 0.00002.

Submission:

Labcorp Genetics (formerly Invitae), Labcorp
Classification: Pathogenic for UDPglucose-4-epimerase deficiency. Last evaluated: 2024-03-01. Review status: criteria provided, single submitter. Criteria: Invitae Variant Classification Sherloc (09022015). Collection method: clinical testing. Allele origin: germline.
Comment: This sequence change creates a premature translational stop signal (p.Arg219*) in the GALE gene. It is expected to result in an absent or disrupted protein product. Loss-of-function variants in GALE are known to be pathogenic (PMID: 16301867). The frequency data for this variant in the population databases is considered unreliable, as metrics indicate poor data quality at this position in the gnomAD database. This variant has not been reported in the literature in individuals affected with GALE-related conditions. For these reasons, this variant has been classified as Pathogenic.

Literature cited by the submitters: PubMed 16301867.

NM_001008216.2(GALE):c.655C>T (p.Arg219Ter)

Gene: GALE (UDP-galactose-4-epimerase; minus strand). Cytogenetic location: 1p36.11.
Variant type: single nucleotide variant.
Coding change: c.655C>T on transcript NM_001008216.2 (MANE Select); coding-DNA position 655, C replaced by T.
Protein change: p.Arg219Ter; replaces arginine 219 with a stop codon.
Molecular consequence: nonsense.
Genome position (GRCh38, 1-based): chr1:23,796,930, G>A on the plus strand (C>T on the coding strand, the complement: GALE is on the minus strand). VCF-style: chr1-23796930-G-A. GRCh37 (hg19) VCF-style: chr1-24123420-G-A.
Other names: c.655C>T, p.Arg219Ter (NM_000403.4, NM_001127621.2); short protein forms R219*.
Identifiers: ClinVar variation 3009976 (VCV003009976.4), dbSNP rs758716088, ClinGen allele CA685582.
Genomic context (GRCh38, chr1:23,796,930, plus strand): 5'-GCTCACCTGTGCCATCCTCTGTGTCATAGTCATTGCCAAAGACATTCAGGGCCTCCCGTC[G>A]CCCGATCGCCACCTGGAGGTGGAGATCAGGTCAGTTCGTCCCAGATCCCAGGCACCAGCT-3'